The following is an entry in ClinVar:

NM_000155.4(GALT):c.904+2T>G

Gene: GALT (galactose-1-phosphate uridylyltransferase; plus strand). Cytogenetic location: 9p13.3.
Variant type: single nucleotide variant.
Coding change: c.904+2T>G on transcript NM_000155.4 (MANE Select); the canonical splice donor site of the intron after coding-DNA position 904, T replaced by G.
Molecular consequence: splice donor variant.
Genome position (GRCh38, 1-based): chr9:34,649,083, T>G. VCF-style: chr9-34649083-T-G. GRCh37 (hg19) VCF-style: chr9-34649080-T-G.
Other names: c.577+2T>G (NM_001258332.2).
Identifiers: ClinVar variation 366701 (VCV000366701.7), dbSNP rs886063885, ClinGen allele CA10629966.

ClinVar aggregate classification (germline): Pathogenic (1 of 4 stars; one submission).

Conditions:
Deficiency of UDPglucose-hexose-1-phosphate uridylyltransferase. Also called: Transferase Deficiency Galactosemia; GALACTOSEMIA I; GALACTOSE-1-PHOSPHATE URIDYLYLTRANSFERASE DEFICIENCY; GALT deficiency; Galactosemia, classic. Identifiers: Orphanet 352, Orphanet 79239, MedGen C0268151, MONDO:0009258, OMIM 230400.

Allele frequency attached by ClinVar (database versions not stated): gnomAD exomes below 0.00001; gnomAD 0.00003.

Submission:

Labcorp Genetics (formerly Invitae), Labcorp
Classification: Pathogenic for Deficiency of UDPglucose-hexose-1-phosphate uridylyltransferase. Last evaluated: 2025-01-27. Review status: criteria provided, single submitter. Criteria: Invitae Variant Classification Sherloc (09022015). Collection method: clinical testing. Allele origin: germline.
Comment: This sequence change affects a donor splice site in intron 9 of the GALT gene. It is expected to disrupt RNA splicing. Variants that disrupt the donor or acceptor splice site typically lead to a loss of protein function (PMID: 16199547), and loss-of-function variants in GALT are known to be pathogenic (PMID: 22944367). This variant is present in population databases (no rsID available, gnomAD 0.007%). Disruption of this splice site has been observed in individuals with galactosemia (PMID: 28173647, 29653003). ClinVar contains an entry for this variant (Variation ID: 366701). Algorithms developed to predict the effect of sequence changes on RNA splicing suggest that this variant may disrupt the consensus splice site. For these reasons, this variant has been classified as Pathogenic.

Literature cited by the submitters: PubMed 16199547; PubMed 22944367; PubMed 28173647; PubMed 29653003.